The following is an entry in ClinVar:

NM_004447.6(EPS8):c.958G>T (p.Ala320Ser)

Gene: EPS8 (EGFR pathway substrate 8, signaling adaptor; minus strand). Cytogenetic location: 12p12.3.
Variant type: single nucleotide variant.
Coding change: c.958G>T on transcript NM_004447.6 (MANE Select); coding-DNA position 958, G replaced by T.
Protein change: p.Ala320Ser; replaces alanine 320 with serine.
Molecular consequence: missense variant. On other transcripts: non-coding transcript variant (3).
Genome position (GRCh38, 1-based): chr12:15,658,565, C>A on the plus strand (G>T on the coding strand, the complement: EPS8 is on the minus strand). VCF-style: chr12-15658565-C-A. GRCh37 (hg19) VCF-style: chr12-15811499-C-A.
Other names: c.958G>T, p.Ala320Ser (NM_001413831.1, NM_001413832.1, NM_001413833.1 and 2 more transcripts); c.718G>T, p.Ala240Ser (NM_001413835.1, NM_001413836.1); c.541G>T, p.Ala181Ser (NM_001413837.1); c.178G>T, p.Ala60Ser (NM_001413838.1); short protein forms A181S, A240S, A320S, A60S.
Identifiers: ClinVar variation 3772152 (VCV003772152.13).

ClinVar aggregate classification (germline): Uncertain significance (1 of 4 stars; one submission).

Submission:

CeGaT Center for Human Genetics Tuebingen
Classification: Uncertain significance. Last evaluated: 2024-12-01. Review status: criteria provided, single submitter. Criteria: CeGaT Center For Human Genetics Tuebingen Variant Classification Criteria Version 2. Collection method: clinical testing. Allele origin: germline. Affected: yes. Observed: 1 variant allele.
Comment: EPS8: PM2